The following is an entry in ClinVar:

ClinVar aggregate classification (germline): Pathogenic (1 of 4 stars; one submission).

Conditions:
Peutz-Jeghers syndrome (PJS). Also called: Peutz-Jeghers polyposis; Periorificial lentiginosis syndrome; POLYPOSIS, HAMARTOMATOUS INTESTINAL; POLYPS-AND-SPOTS SYNDROME. Identifiers: Orphanet 2869, MedGen C0031269, MeSH D010580, MONDO:0008280, OMIM 175200.

Submission:

Labcorp Genetics (formerly Invitae), Labcorp
Classification: Pathogenic for Peutz-Jeghers syndrome. Last evaluated: 2023-07-14. Review status: criteria provided, single submitter. Criteria: Invitae Variant Classification Sherloc (09022015). Collection method: clinical testing. Allele origin: germline.
Comment: ClinVar contains an entry for this variant (Variation ID: 1517497). This variant has not been reported in the literature in individuals affected with STK11-related conditions. This variant is not present in population databases (gnomAD no frequency). This variant, c.582_596del, results in the deletion of 5 amino acid(s) of the STK11 protein (p.Asp194_Ala198del), but otherwise preserves the integrity of the reading frame. For these reasons, this variant has been classified as Pathogenic. This variant disrupts a region of the STK11 protein in which other variant(s) (p.Asp194Asn) have been determined to be pathogenic (PMID: 10408777, 12865922, 16287113, 16582077, 17026623, 20435009, 23399955, 23718779, 25226294). This suggests that this is a clinically significant region of the protein, and that variants that disrupt it are likely to be disease-causing.

Literature cited by the submitters: PubMed 10408777; PubMed 12865922; PubMed 16287113; PubMed 16582077; PubMed 17026623; PubMed 20435009; PubMed 23399955; PubMed 23718779; PubMed 25226294.

NM_000455.5(STK11):c.582_596del (p.Asp194_Ala198del)

Gene: STK11 (serine/threonine kinase 11; plus strand). Cytogenetic location: 19p13.3.
Variant type: Deletion.
Coding change: c.582_596del on transcript NM_000455.5 (MANE Select); coding-DNA positions 582 to 596, 15 bases deleted (CCTGGGCGTGGCCGA).
Protein change: p.Asp194_Ala198del.
Molecular consequence: inframe deletion.
Genome position (GRCh38, 1-based): chr19:1,220,490-1,220,504, CCTGGGCGTGGCCGA deleted; deleting any 15 consecutive bases within chr19:1,220,486-1,220,504 gives the same sequence; the c. name uses the placement nearest the transcript's 3' end. VCF-style (leftmost placement, unchanged base first): chr19-1220485-TCCGACCTGGGCGTGG-T. GRCh37 (hg19) VCF-style: chr19-1220484-TCCGACCTGGGCGTGG-T.
Identifiers: ClinVar variation 1517497 (VCV001517497.8), dbSNP rs2145424620, ClinGen allele CA2573155762.
Genomic context (GRCh38, chr19:1,220,485, plus strand): 5'-GTGCACAAGGACATCAAGCCGGGGAACCTGCTGCTCACCACCGGTGGCACCCTCAAAATC[TCCGACCTGGGCGTGG>T]CCGAGGTAGGCACGTGCTAGGGGGGGCCCTGGGGCGCCCCCTCCCGGGCACTCCCTGAGG-3'